The following is an entry in ClinVar:

NM_002480.3(PPP1R12A):c.144C>T (p.Cys48=)

Genes: PPP1R12A (protein phosphatase 1 regulatory subunit 12A; minus strand), LOC112163633 (Sharpr-MPRA regulatory region 5962; plus strand). Cytogenetic location: 12q21.31.
Variant type: single nucleotide variant.
Coding change: c.144C>T on transcript NM_002480.3 (MANE Select); coding-DNA position 144, C replaced by T.
Protein change: p.Cys48=; no amino-acid change (cysteine 48 retained).
Molecular consequence: synonymous variant.
Genome position (GRCh38, 1-based): chr12:79,934,788, G>A on the plus strand (C>T on the coding strand, the complement: PPP1R12A is on the minus strand). VCF-style: chr12-79934788-G-A. GRCh37 (hg19) VCF-style: chr12-80328568-G-A.
Other names: c.144C>T, p.Cys48= (NM_001143885.2, NM_001244990.2, NM_001244992.1).
Identifiers: ClinVar variation 3898419 (VCV003898419.7).

ClinVar aggregate classification (germline): Likely benign (1 of 4 stars; one submission).

gnomAD v4.1: 93 of 1,565,426 alleles (0.0059%); highest among the groups gnomAD compares: Non-Finnish European, 0.0074%; no homozygotes.

Submission:

CeGaT Center for Human Genetics Tuebingen
Classification: Likely benign. Last evaluated: 2025-04-01. Review status: criteria provided, single submitter. Criteria: CeGaT Center For Human Genetics Tuebingen Variant Classification Criteria Version 2. Collection method: clinical testing. Allele origin: germline. Affected: yes. Observed: 1 variant allele.
Comment: PPP1R12A: BP4, BP7